The following is an entry in ClinVar:

NM_001110556.2(FLNA):c.5333T>A (p.Val1778Glu)

Gene: FLNA (filamin A; minus strand). Cytogenetic location: Xq28.
Variant type: single nucleotide variant.
Coding change: c.5333T>A on transcript NM_001110556.2 (MANE Select); coding-DNA position 5333, T replaced by A.
Protein change: p.Val1778Glu; replaces valine 1778 with glutamic acid.
Molecular consequence: missense variant.
Genome position (GRCh38, 1-based): chrX:154,354,464, A>T on the plus strand (T>A on the coding strand, the complement: FLNA is on the minus strand). VCF-style: chrX-154354464-A-T. GRCh37 (hg19) VCF-style: chrX-153582832-A-T.
Other names: c.5309T>A (NM_001456.3); c.5309T>A, p.Val1770Glu (NM_001456.4); short protein forms V1770E, V1778E.
Identifiers: ClinVar variation 1508483 (VCV001508483.10), dbSNP rs2148106810, ClinGen allele CA415205836.
Genomic context (GRCh38, chrX:154,354,464, plus strand): 5'-GTGAAGGGGATGACAAGGTCAAAGGGCCTCAGGCTGGTCACATCCAGCCCATTGACACCC[A>T]CCAGGGGCCTCTCCGGGGCCTGCAGTGGAGACACAGGGCATGGGTGAGGGACAGTGGGAG-3'
Protein context (NP_001104026.1, residues 1768-1788): QQTWAPERPL[Val1778Glu]GVNGLDVTSL

ClinVar aggregate classification (germline): Uncertain significance. Review status: criteria provided, multiple submitters, no conflicts (2 of 4 stars). 2 submissions from 2 submitters: Uncertain significance (2). Last evaluated 2022-05-05.

Conditions:
Heterotopia, periventricular, X-linked dominant (PVNH1). Also called: PERIVENTRICULAR NODULAR HETEROTOPIA 1; X-linked periventricular heterotopia; PERIVENTRICULAR NODULAR HETEROTOPIA 4; HETEROTOPIA, PERIVENTRICULAR, 1. Identifiers: Orphanet 2149, Orphanet 82004, MedGen C1848213, MONDO:0010233, OMIM 300049.
Melnick-Needles syndrome (MNS). Also called: Melnick-Needles Syndrome (FLNA-MNS); MELNICK-NEEDLES OSTEODYSPLASTY; OSTEODYSPLASTY OF MELNICK AND NEEDLES. Identifiers: Orphanet 2484, MedGen C0025237, MONDO:0010650, OMIM 309350.
Frontometaphyseal dysplasia (FMD1). Identifiers: Orphanet 1826, MedGen C0265293, MONDO:0015942.
Oto-palato-digital syndrome, type II (OPD2). Also called: Otopalatodigital Syndrome Type 2 (FLNA-OPD2); FACIOPALATOOSSEOUS SYNDROME; OPD II SYNDROME; Otopalatodigital Syndrome, Type II. Identifiers: Orphanet 669, Orphanet 90652, MedGen C1844696, MONDO:0010571, OMIM 304120.

Submissions (2):

Labcorp Genetics (formerly Invitae), Labcorp
Classification: Uncertain significance for Oto-palato-digital syndrome, type II; Heterotopia, periventricular, X-linked dominant; Frontometaphyseal dysplasia; Melnick-Needles syndrome. Last evaluated: 2022-05-05. Review status: criteria provided, single submitter. Criteria: Invitae Variant Classification Sherloc (09022015). Collection method: clinical testing. Allele origin: germline.
Comment: This variant is not present in population databases (gnomAD no frequency). In summary, the available evidence is currently insufficient to determine the role of this variant in disease. Therefore, it has been classified as a Variant of Uncertain Significance. Advanced modeling of protein sequence and biophysical properties (such as structural, functional, and spatial information, amino acid conservation, physicochemical variation, residue mobility, and thermodynamic stability) performed at Invitae indicates that this missense variant is not expected to disrupt FLNA protein function. This variant has not been reported in the literature in individuals affected with FLNA-related conditions. This sequence change replaces valine, which is neutral and non-polar, with glutamic acid, which is acidic and polar, at codon 1770 of the FLNA protein (p.Val1770Glu).

Revvity Omics, Revvity
Classification: Uncertain significance. Last evaluated: 2022-02-01. Review status: criteria provided, single submitter. Criteria: ACMG Guidelines, 2015. Collection method: clinical testing. Allele origin: germline.